The following is an entry in ClinVar:

ClinVar aggregate classification (germline): Uncertain significance (1 of 4 stars; one submission).

Conditions:
Fanconi anemia (FA). Also called: Fanconi's anemia. Identifiers: Orphanet 84, MedGen C0015625, MeSH D005199, MONDO:0019391.

Submission:

Labcorp Genetics (formerly Invitae), Labcorp
Classification: Uncertain significance for Fanconi anemia. Last evaluated: 2023-12-11. Review status: criteria provided, single submitter. Criteria: Invitae Variant Classification Sherloc (09022015). Collection method: clinical testing. Allele origin: germline.
Comment: This sequence change replaces histidine, which is basic and polar, with tyrosine, which is neutral and polar, at codon 267 of the FANCF protein (p.His267Tyr). This variant is not present in population databases (gnomAD no frequency). This variant has not been reported in the literature in individuals affected with FANCF-related conditions. ClinVar contains an entry for this variant (Variation ID: 2191808). Advanced modeling of protein sequence and biophysical properties (such as structural, functional, and spatial information, amino acid conservation, physicochemical variation, residue mobility, and thermodynamic stability) performed at Invitae indicates that this missense variant is not expected to disrupt FANCF protein function with a negative predictive value of 80%. In summary, the available evidence is currently insufficient to determine the role of this variant in disease. Therefore, it has been classified as a Variant of Uncertain Significance.

NM_022725.4(FANCF):c.799C>T (p.His267Tyr)

Gene: FANCF (FA complementation group F; minus strand). Cytogenetic location: 11p14.3.
Variant type: single nucleotide variant.
Coding change: c.799C>T on transcript NM_022725.4 (MANE Select); coding-DNA position 799, C replaced by T.
Protein change: p.His267Tyr; replaces histidine 267 with tyrosine.
Molecular consequence: missense variant.
Genome position (GRCh38, 1-based): chr11:22,625,012, G>A on the plus strand (C>T on the coding strand, the complement: FANCF is on the minus strand). VCF-style: chr11-22625012-G-A. GRCh37 (hg19) VCF-style: chr11-22646558-G-A.
Other names: short protein forms H267Y.
Identifiers: ClinVar variation 2191808 (VCV002191808.4), dbSNP rs2133796773, ClinGen allele CA380058304.